The following is an entry in ClinVar:

ClinVar aggregate classification (germline): Uncertain significance (1 of 4 stars; one submission).

Submission:

Women's Health and Genetics/Laboratory Corporation of America, LabCorp
Classification: Uncertain significance. Last evaluated: 2026-04-23. Review status: criteria provided, single submitter. Criteria: LabCorp Variant Classification Summary - May 2015. Collection method: clinical testing. Allele origin: germline.
Comment: Variant summary: ARSA c.452A>G (p.Tyr151Cys) results in a non-conservative amino acid change in the encoded protein sequence. Algorithms developed to predict the effect of missense changes on protein structure and function all suggest that this variant is likely to be disruptive. The variant was absent in 241072 control chromosomes. The available data on variant occurrences in the general population are insufficient to allow any conclusion about variant significance. To our knowledge, no occurrence of c.452A>G in individuals affected with ARSA-related conditions and no experimental evidence demonstrating its impact on protein function have been reported. No submitters have cited clinical-significance assessments for this variant to ClinVar. Based on the evidence outlined above, the variant was classified as uncertain significance.

NM_000487.6(ARSA):c.452A>G (p.Tyr151Cys)

Gene: ARSA (arylsulfatase A; minus strand). Cytogenetic location: 22q13.33.
Variant type: single nucleotide variant.
Coding change: c.452A>G on transcript NM_000487.6 (MANE Select); coding-DNA position 452, A replaced by G.
Protein change: p.Tyr151Cys; replaces tyrosine 151 with cysteine.
Molecular consequence: missense variant.
Genome position (GRCh38, 1-based): chr22:50,627,179, T>C on the plus strand (A>G on the coding strand, the complement: ARSA is on the minus strand). VCF-style: chr22-50627179-T-C. GRCh37 (hg19) VCF-style: chr22-51065607-T-C.
Other names: c.452A>G, p.Tyr151Cys (NM_001085425.3, NM_001085426.3, NM_001085427.3); c.194A>G, p.Tyr65Cys (NM_001085428.3, NM_001362782.2); short protein forms Y151C, Y65C.
Identifiers: ClinVar variation 4849125 (VCV004849125.1).